The following is an entry in ClinVar:

NM_001481.3(DRC4):c.1146G>C (p.Glu382Asp)

Gene: DRC4 (dynein regulatory complex subunit 4; plus strand). Cytogenetic location: 16q24.3.
Variant type: single nucleotide variant.
Coding change: c.1146G>C on transcript NM_001481.3 (MANE Select); coding-DNA position 1146, G replaced by C.
Protein change: p.Glu382Asp; replaces glutamic acid 382 with aspartic acid.
Molecular consequence: missense variant.
Genome position (GRCh38, 1-based): chr16:90,040,434, G>C. VCF-style: chr16-90040434-G-C. GRCh37 (hg19) VCF-style: chr16-90106842-G-C.
Other names: c.897G>C, p.Glu299Asp (NM_001286205.2); c.570G>C, p.Glu190Asp (NM_001286208.2); c.1071G>C, p.Glu357Asp (NM_001286209.2); short protein forms E190D, E299D, E357D, E382D.
Identifiers: ClinVar variation 2428604 (VCV002428604.3), dbSNP rs1385973691, ClinGen allele CA397470544.

ClinVar aggregate classification (germline): Uncertain significance (1 of 4 stars; one submission).

Conditions:
Primary ciliary dyskinesia 33. Also called: CILIARY DYSKINESIA, PRIMARY, 33, WITHOUT SITUS INVERSUS. Identifiers: Orphanet 244, MedGen C4225230, MONDO:0014750, OMIM 616726.

Allele frequency attached by ClinVar (database versions not stated): TOPMed 0.00002; gnomAD 0.00003.
gnomAD v4.1: 20 of 1,612,144 alleles (0.0012%); highest among the groups gnomAD compares: Non-Finnish European, 0.0016%; no homozygotes.

Submission:

ARUP Laboratories, Molecular Genetics and Genomics, ARUP Laboratories
Classification: Uncertain significance for Primary ciliary dyskinesia 33. Last evaluated: 2022-03-25. Review status: criteria provided, single submitter. Criteria: ARUP Molecular Germline Variant Investigation Process 2021. Collection method: clinical testing. Allele origin: germline.
Comment: The GAS8 c.1146G>C; p.Glu382Asp variant (rs1385973691), to our knowledge, is not reported in the medical literature or gene specific databases. This variant is only observed on one allele in the Genome Aggregation Database, indicating it is not a common polymorphism. The glutamic at codon 382 is weakly conserved, but computational analyses predict that this variant is neutral (REVEL: 0.07). Due to limited information, the clinical significance of this variant is uncertain at this time.